The following is an entry in ClinVar:

ClinVar aggregate classification (germline): Uncertain significance (1 of 4 stars; one submission).

Conditions:
Hereditary cancer-predisposing syndrome. Also called: Tumor predisposition; Neoplastic Syndromes, Hereditary; Hereditary Cancer Syndrome; Hereditary neoplastic syndrome. Identifiers: Orphanet 140162, MedGen C0027672, MeSH D009386, MONDO:0015356.

Submission:

Ambry Genetics
Classification: Uncertain significance for Hereditary cancer-predisposing syndrome. Last evaluated: 2024-10-14. Review status: criteria provided, single submitter. Criteria: Ambry Variant Classification Scheme 2023. Collection method: clinical testing. Allele origin: germline.
Comment: The p.S157A variant (also known as c.469T>G), located in coding exon 6 of the BRCA1 gene, results from a T to G substitution at nucleotide position 469. The serine at codon 157 is replaced by alanine, an amino acid with similar properties. This alteration was identified amongst a cohort of 3984 Chinese women with a breast cancer diagnosis undergoing BRCA1/2 genetic testing (Yao L et al. J Hum Genet, 2022 Nov;67:639-642). This amino acid position is well conserved in available vertebrate species. In addition, this alteration is predicted to be deleterious by in silico analysis. Based on the available evidence, the clinical significance of this variant remains unclear.

Literature cited by the submitters: PubMed 35864222.

NM_007294.4(BRCA1):c.469T>G (p.Ser157Ala)

Gene: BRCA1 (BRCA1 DNA repair associated; minus strand). Cytogenetic location: 17q21.31.
Variant type: single nucleotide variant.
Coding change: c.469T>G on transcript NM_007294.4 (MANE Select); coding-DNA position 469, T replaced by G.
Protein change: p.Ser157Ala; replaces serine 157 with alanine.
Molecular consequence: missense variant. On other transcripts: intron variant (2).
Genome position (GRCh38, 1-based): chr17:43,099,853, A>C on the plus strand (T>G on the coding strand, the complement: BRCA1 is on the minus strand). VCF-style: chr17-43099853-A-C. GRCh37 (hg19) VCF-style: chr17-41251870-A-C.
Other names: c.328T>G, p.Ser110Ala (NM_001407736.1, NM_001407735.1, NM_001407692.1 and 61 more transcripts); c.256T>G, p.Ser86Ala (NM_001407571.1, NM_001407853.1, NM_001407894.1 and 18 more transcripts); c.469T>G, p.Ser157Ala (NM_001407581.1, NM_001407582.1, NM_001407583.1 and 96 more transcripts); c.466T>G, p.Ser156Ala (NM_001407587.1, NM_001407590.1, NM_001407591.1 and 65 more transcripts); c.460T>G, p.Ser154Ala (NM_001407646.1, NM_001407647.1, NM_001408408.1); c.391T>G, p.Ser131Ala (NM_001407653.1, NM_001407654.1, NM_001407655.1 and 12 more transcripts); c.388T>G, p.Ser130Ala (NM_001407659.1, NM_001407660.1, NM_001407661.1 and 6 more transcripts); c.325T>G, p.Ser109Ala (NM_001407740.1, NM_001407741.1, NM_001407742.1 and 35 more transcripts); and 5 more; short protein forms S131A, S30A, S86A, S109A, S156A, S157A, S110A, S112A.
Identifiers: ClinVar variation 3481789 (VCV003481789.1).